The following is an entry in ClinVar:

ClinVar aggregate classification (germline): Likely benign (1 of 4 stars; one submission).

gnomAD v4.1: 985 of 1,613,500 alleles (0.061%); highest among the groups gnomAD compares: Non-Finnish European, 0.07%; 2 homozygotes.

Submission:

CeGaT Center for Human Genetics Tuebingen
Classification: Likely benign. Last evaluated: 2026-09-01. Review status: criteria provided, single submitter. Criteria: CeGaT Center For Human Genetics Tuebingen Variant Classification Criteria Version 2. Collection method: clinical testing. Allele origin: germline. Affected: yes. Observed: 6 variant alleles.
Comment: CLIP2: BP4, BP7

NM_003388.5(CLIP2):c.2649C>G (p.Thr883=)

Gene: CLIP2 (CAP-Gly domain containing linker protein 2; plus strand). Cytogenetic location: 7q11.23.
Variant type: single nucleotide variant.
Coding change: c.2649C>G on transcript NM_003388.5 (MANE Select); coding-DNA position 2649, C replaced by G.
Protein change: p.Thr883=; no amino-acid change (threonine 883 retained).
Molecular consequence: synonymous variant.
Genome position (GRCh38, 1-based): chr7:74,389,188, C>G. VCF-style: chr7-74389188-C-G. GRCh37 (hg19) VCF-style: chr7-73803518-C-G.
Other names: c.2544C>G, p.Thr848= (NM_032421.3).
Identifiers: ClinVar variation 3257631 (VCV003257631.17).
Genomic context (GRCh38, chr7:74,389,188, plus strand): 5'-CGAGAAGAAGGTGGACGCCCTCCTGAAGGAGAAGCGGCGCCTGGAGGCAGAGCTGGAGAC[C>G]GTGTCCCGGAAGACCCATGACGCCTCGGGCCAGCTAGTCCTCATCAGCCAGGAGCTGCTG-3'
Protein context (NP_003379.4, residues 873-893): EKRRLEAELE[Thr883=]VSRKTHDASG